The following is an entry in ClinVar:

NM_000051.4(ATM):c.7814T>C (p.Ile2605Thr)

Genes: ATM (ATM serine/threonine kinase; plus strand), C11orf65 (chromosome 11 open reading frame 65; minus strand). Cytogenetic location: 11q22.3.
Variant type: single nucleotide variant.
Coding change: c.7814T>C on transcript NM_000051.4 (MANE Select); coding-DNA position 7814, T replaced by C.
Protein change: p.Ile2605Thr; replaces isoleucine 2605 with threonine.
Molecular consequence: missense variant. On other transcripts: intron variant (2).
Genome position (GRCh38, 1-based): chr11:108,332,787, T>C. VCF-style: chr11-108332787-T-C. GRCh37 (hg19) VCF-style: chr11-108203514-T-C.
Other names: c.7814T>C, p.Ile2605Thr (NM_001351834.2); c.641-23716A>G (NM_001330368.2); c.*38+2433A>G (NM_001351110.2); short protein forms I2605T.
Identifiers: ClinVar variation 1518210 (VCV001518210.8), dbSNP rs2136562632, ClinGen allele CA382561291.

ClinVar aggregate classification (germline): Uncertain significance (1 of 4 stars; one submission).

Conditions:
Ataxia-telangiectasia syndrome (AT). Also called: LOUIS-BAR SYNDROME; Cerebello-oculocutaneous telangiectasia; Immunodeficiency with ataxia telangiectasia; Ataxia telangiectasia (A-T); Ataxia-telangiectasia, complementation group D; AT, COMPLEMENTATION GROUP C. Identifiers: Orphanet 100, MedGen C0004135, MONDO:0008840, OMIM 208900.

Submission:

Labcorp Genetics (formerly Invitae), Labcorp
Classification: Uncertain significance for Ataxia-telangiectasia syndrome. Last evaluated: 2021-01-21. Review status: criteria provided, single submitter. Criteria: Invitae Variant Classification Sherloc (09022015). Collection method: clinical testing. Allele origin: germline.
Comment: This sequence change replaces isoleucine with threonine at codon 2605 of the ATM protein (p.Ile2605Thr). The isoleucine residue is moderately conserved and there is a moderate physicochemical difference between isoleucine and threonine. This variant is not present in population databases (ExAC no frequency). This variant has not been reported in the literature in individuals with ATM-related conditions. Advanced modeling of protein sequence and biophysical properties (such as structural, functional, and spatial information, amino acid conservation, physicochemical variation, residue mobility, and thermodynamic stability) performed at Invitae indicates that this missense variant is expected to disrupt ATM protein function. In summary, the available evidence is currently insufficient to determine the role of this variant in disease. Therefore, it has been classified as a Variant of Uncertain Significance.